The following is an entry in ClinVar:

NM_000240.4(MAOA):c.187G>A (p.Val63Ile)

Gene: MAOA (monoamine oxidase A; plus strand). Cytogenetic location: Xp11.3.
Variant type: single nucleotide variant.
Coding change: c.187G>A on transcript NM_000240.4 (MANE Select); coding-DNA position 187, G replaced by A.
Protein change: p.Val63Ile; replaces valine 63 with isoleucine.
Molecular consequence: missense variant. On other transcripts: 5 prime UTR variant (1).
Genome position (GRCh38, 1-based): chrX:43,693,309, G>A. VCF-style: chrX-43693309-G-A. GRCh37 (hg19) VCF-style: chrX-43552556-G-A.
Other names: c.-213G>A (NM_001270458.2); short protein forms V63I.
Identifiers: ClinVar variation 1306647 (VCV001306647.2), dbSNP rs2033551075, ClinGen allele CA413004498.
Genomic context (GRCh38, chrX:43,693,309, plus strand): 5'-GTTTTAACTAAAGTCCTCTGACCAATTTTTCTCTTTTTGCAGAATGAGCATGTTGATTAC[G>A]TAGATGTTGGTGGAGCTTATGTGGGACCAACCCAAAACAGAATCTTACGCTTGTCTAAGG-3'
Protein context (NP_000231.1, residues 53-73): YTIRNEHVDY[Val63Ile]DVGGAYVGPT

ClinVar aggregate classification (germline): Uncertain significance (1 of 4 stars; one submission).

gnomAD v4.1: 3 of 1,210,346 alleles (0.00025%); highest among the groups gnomAD compares: South Asian, 0.0018%; no homozygotes.

Submission:

GeneDx
Classification: Uncertain significance. Last evaluated: 2019-06-28. Review status: criteria provided, single submitter. Criteria: GeneDx Variant Classification Process June 2021. Collection method: clinical testing. Allele origin: germline. Affected: yes.
Comment: Not observed in large population cohorts (Lek et al., 2016); In silico analysis, which includes protein predictors and evolutionary conservation, supports that this variant does not alter protein structure/function; Has not been previously published as pathogenic or benign to our knowledge